The following is an entry in ClinVar:

ClinVar aggregate classification (germline): Likely benign. Review status: criteria provided, multiple submitters, no conflicts (2 of 4 stars). 2 submissions from 2 submitters: Likely benign (2). Last evaluated 2026-05-01.

Conditions:
PDZD8-related condition.

gnomAD v4.1: 6,672 of 1,614,156 alleles (0.41%); highest among the groups gnomAD compares: Non-Finnish European, 0.51%; 15 homozygotes.

Submissions (2):

CeGaT Center for Human Genetics Tuebingen
Classification: Likely benign. Last evaluated: 2026-05-01. Review status: criteria provided, single submitter. Criteria: CeGaT Center For Human Genetics Tuebingen Variant Classification Criteria Version 2. Collection method: clinical testing. Allele origin: germline. Affected: yes. Observed: 5 variant alleles.
Comment: PDZD8: BP4, BS2

PreventionGenetics, part of Exact Sciences
Classification: Likely benign for PDZD8-related condition. Last evaluated: 2024-10-24. Review status: criteria provided, single submitter. Criteria: ACMG Guidelines, 2015. Collection method: clinical testing. Allele origin: germline.
Comment: This variant is classified as likely benign based on ACMG/AMP sequence variant interpretation guidelines (Richards et al. 2015 PMID: 25741868, with internal and published modifications).

NM_173791.5(PDZD8):c.2002C>T (p.Pro668Ser)

Gene: PDZD8 (PDZ domain containing 8; minus strand). Cytogenetic location: 10q25.3.
Variant type: single nucleotide variant.
Coding change: c.2002C>T on transcript NM_173791.5 (MANE Select); coding-DNA position 2002, C replaced by T.
Protein change: p.Pro668Ser; replaces proline 668 with serine.
Molecular consequence: missense variant.
Genome position (GRCh38, 1-based): chr10:117,284,731, G>A on the plus strand (C>T on the coding strand, the complement: PDZD8 is on the minus strand). VCF-style: chr10-117284731-G-A. GRCh37 (hg19) VCF-style: chr10-119044242-G-A.
Other names: c.2002C>T (NM_173791.4); short protein forms P668S.
Identifiers: ClinVar variation 4280763 (VCV004280763.8).